The following is an entry in ClinVar:

NM_001378477.3(NYX):c.598C>G (p.Leu200Val)

Gene: NYX (nyctalopin; plus strand). Cytogenetic location: Xp11.4.
Variant type: single nucleotide variant.
Coding change: c.598C>G on transcript NM_001378477.3 (MANE Select); coding-DNA position 598, C replaced by G.
Protein change: p.Leu200Val; replaces leucine 200 with valine.
Molecular consequence: missense variant.
Genome position (GRCh38, 1-based): chrX:41,474,066, C>G. VCF-style: chrX-41474066-C-G. GRCh37 (hg19) VCF-style: chrX-41333319-C-G.
Other names: c.598C>G, p.Leu200Val (NM_022567.3); short protein forms L200V.
Identifiers: ClinVar variation 3673936 (VCV003673936.2).

ClinVar aggregate classification (germline): Uncertain significance (1 of 4 stars; one submission).

gnomAD v4.1: 6 of 1,077,283 alleles (0.00056%); highest among the groups gnomAD compares: Non-Finnish European, 0.00072%; no homozygotes.

Submission:

Labcorp Genetics (formerly Invitae), Labcorp
Classification: Uncertain significance. Last evaluated: 2024-07-13. Review status: criteria provided, single submitter. Criteria: Invitae Variant Classification Sherloc (09022015). Collection method: clinical testing. Allele origin: germline.
Comment: This sequence change replaces leucine, which is neutral and non-polar, with valine, which is neutral and non-polar, at codon 205 of the NYX protein (p.Leu205Val). This variant is not present in population databases (gnomAD no frequency). This variant has not been reported in the literature in individuals affected with NYX-related conditions. Advanced modeling of protein sequence and biophysical properties (such as structural, functional, and spatial information, amino acid conservation, physicochemical variation, residue mobility, and thermodynamic stability) performed at Invitae indicates that this missense variant is not expected to disrupt NYX protein function with a negative predictive value of 80%. In summary, the available evidence is currently insufficient to determine the role of this variant in disease. Therefore, it has been classified as a Variant of Uncertain Significance.